The following is an entry in ClinVar:

NM_000338.3(SLC12A1):c.1432G>A (p.Gly478Arg)

Gene: SLC12A1 (solute carrier family 12 member 1; plus strand). Cytogenetic location: 15q21.1.
Variant type: single nucleotide variant.
Coding change: c.1432G>A on transcript NM_000338.3 (MANE Select); coding-DNA position 1432, G replaced by A.
Protein change: p.Gly478Arg; replaces glycine 478 with arginine.
Molecular consequence: missense variant.
Genome position (GRCh38, 1-based): chr15:48,244,884, G>A. VCF-style: chr15-48244884-G-A. GRCh37 (hg19) VCF-style: chr15-48537081-G-A.
Other names: c.1432G>A, p.Gly478Arg (NM_001184832.2, NM_001384136.1); c.1432G>A (NM_000338.2); short protein forms G478R.
Identifiers: ClinVar variation 1407973 (VCV001407973.11), dbSNP rs758166864, ClinGen allele CA7547076.
Genomic context (GRCh38, chr15:48,244,884, plus strand): 5'-TCAGCAGCATGTGGGTTGGGCTATGACTTCTCAAGATGTCGACATGAACCATGTCAGTAC[G>A]GGCTGATGAACAATTTCCAGGTTTGAAGCAAAATTCAAAAATGTTCACTGCTATTATTTT-3'
Protein context (NP_000329.2, residues 468-488): SRCRHEPCQY[Gly478Arg]LMNNFQVMSM

ClinVar aggregate classification (germline): Pathogenic/Likely pathogenic. Review status: criteria provided, multiple submitters, no conflicts (2 of 4 stars). 5 submissions from 5 submitters: Pathogenic (3); Likely pathogenic (2). Last evaluated 2026-06-08.

Conditions:
Bartter disease type 1. Also called: Bartter Syndrome type 1; HYPOKALEMIC ALKALOSIS WITH HYPERCALCIURIA 1, ANTENATAL; Bartter syndrome, type 1, antenatal; HYPERPROSTAGLANDIN E SYNDROME 1. Identifiers: Orphanet 112, Orphanet 620217, MedGen C1866495, MONDO:0100344, OMIM 601678, MONDO:0011127.
Bartter syndrome. Identifiers: Orphanet 112, MedGen C0004775, MONDO:0015231.

Allele frequency attached by ClinVar (database versions not stated): TOPMed 0.00001; ExAC 0.00001; gnomAD 0.00003.
gnomAD v4.1: 30 of 1,613,754 alleles (0.0019%); highest among the groups gnomAD compares: Middle Eastern, 0.016%; no homozygotes.

Submissions (5):

Women's Health and Genetics/Laboratory Corporation of America, LabCorp
Classification: Pathogenic for Bartter syndrome. Last evaluated: 2026-06-08. Review status: criteria provided, single submitter. Criteria: LabCorp Variant Classification Summary - May 2015. Collection method: clinical testing. Allele origin: germline.
Comment: Variant summary: SLC12A1 c.1432G>A (p.Gly478Arg) results in a non-conservative amino acid change in the encoded protein sequence. Algorithms developed to predict the effect of missense changes on protein structure and function all suggest that this variant is likely to be disruptive. The variant allele was found at a frequency of 1.6e-05 in 250626 control chromosomes. c.1432G>A has been observed in multiple individuals with homozygous or compound heterozygous genotype affected with Bartter Syndrome, Type 1 (e.g. Bettinelli_2014, Forbes_2022, Kanda_2024). These data indicate that the variant is very likely to be associated with disease. To our knowledge, no experimental evidence demonstrating an impact on protein function has been reported. The following publications have been ascertained in the context of this evaluation (PMID: 24902942, 25422309, 35348259, 38062639, 9585600, 29527380). ClinVar contains an entry for this variant (Variation ID: 1407973). Based on the evidence outlined above, the variant was classified as pathogenic.

Labcorp Genetics (formerly Invitae), Labcorp
Classification: Pathogenic. Last evaluated: 2025-11-07. Review status: criteria provided, single submitter. Criteria: Invitae Variant Classification Sherloc (09022015). Collection method: clinical testing. Allele origin: germline.
Comment: This sequence change replaces glycine, which is neutral and non-polar, with arginine, which is basic and polar, at codon 478 of the SLC12A1 protein (p.Gly478Arg). This variant is present in population databases (rs758166864, gnomAD 0.01%). This missense change has been observed in individual(s) with SLC12A1-related conditions (PMID: 9585600, 18391953, 29527380, 35348259; internal data). In at least one individual the data is consistent with being in trans (on the opposite chromosome) from a pathogenic variant. ClinVar contains an entry for this variant (Variation ID: 1407973). Invitae Evidence Modeling of protein sequence and biophysical properties (such as structural, functional, and spatial information, amino acid conservation, physicochemical variation, residue mobility, and thermodynamic stability) indicates that this missense variant is expected to disrupt SLC12A1 protein function with a positive predictive value of 95%. For these reasons, this variant has been classified as Pathogenic.

GeneDx
Classification: Likely pathogenic. Last evaluated: 2025-02-17. Review status: criteria provided, single submitter. Criteria: GeneDx Variant Classification Process June 2021. Collection method: clinical testing. Allele origin: germline. Affected: yes.
Comment: In silico analysis supports that this missense variant has a deleterious effect on protein structure/function; This variant is associated with the following publications: (PMID: 25525159, 9585600, 18391953, 38885190, 38062639, 37291213, 24902942, 35348259, 25422309, 29527380, 32397528)

Fulgent Genetics
Classification: Likely pathogenic for Bartter disease type 1. Last evaluated: 2024-02-08. Review status: criteria provided, single submitter. Criteria: ACMG Guidelines, 2015. Collection method: clinical testing. Allele origin: germline.

Victorian Clinical Genetics Services, Murdoch Childrens Research Institute
Classification: Pathogenic for Bartter disease type 1. Last evaluated: 2022-09-02. Review status: criteria provided, single submitter. Criteria: ACMG Guidelines, 2015. Collection method: clinical testing. Allele origin: germline. Inheritance: Autosomal recessive inheritance. Affected: yes.
Comment: Based on the classification scheme VCGS_Germline_v1.3.4, this variant is classified as Pathogenic. Following criteria are met: 0102 - Loss of function is a known mechanism of disease in this gene and is associated with Bartter syndrome, type 1 (MIM# 601678). (I) 0106 - This gene is associated with autosomal recessive disease. (I) 0200 - Variant is predicted to result in a missense amino acid change from glycine to arginine. (I) 0251 - This variant is heterozygous. (I) 0304 - Variant is present in gnomAD (v2) <0.01 for a recessive condition (7 heterozygotes, 0 homozygotes). (SP) 0501 - Missense variant consistently predicted to be damaging by multiple in silico tools or highly conserved with a major amino acid change. (SP) 0601 - Variant is located in the well-established functional AA permease domain (Decipher, Pfam). (SP) 0705 - No comparable missense variants have previous evidence for pathogenicity. (I) 0802 - This variant has moderate previous evidence of pathogenicity in unrelated individuals. This variant has been observed in two compound heterozygous, and a homozygous individual with Bartter syndrome (PMID: 18391953, PMID: 24902942, PMID: 9585600). It has also been reported once as VUS in ClinVar. (SP) 0905 - No published segregation evidence has been identified for this variant. (I) 1007 - No published functional evidence has been identified for this variant. (I) 1102 - Strong phenotype match for this individual. (SP) 1201 - Heterozygous variant detected in trans with a second pathogenic heterozygous variant (p.(Gln656*)) in a recessive disease. (I) Legend: (SP) - Supporting pathogenic, (I) - Information, (SB) - Supporting benign

Literature cited by the submitters: PubMed 9585600 (cited by 3 submitters); PubMed 25422309 (cited by Women's Health and Genetics/Laboratory Corporation of America, LabCorp); PubMed 24902942 (cited by Women's Health and Genetics/Laboratory Corporation of America, LabCorp and Victorian Clinical Genetics Services, Murdoch Childrens Research Institute); PubMed 35348259 (cited by Women's Health and Genetics/Laboratory Corporation of America, LabCorp and Labcorp Genetics (formerly Invitae), Labcorp); PubMed 38062639 (cited by Women's Health and Genetics/Laboratory Corporation of America, LabCorp); PubMed 29527380 (cited by Women's Health and Genetics/Laboratory Corporation of America, LabCorp and Labcorp Genetics (formerly Invitae), Labcorp); PubMed 18391953 (cited by Labcorp Genetics (formerly Invitae), Labcorp and Victorian Clinical Genetics Services, Murdoch Childrens Research Institute).